The following is an entry in ClinVar:

ClinVar aggregate classification (germline): Benign/Likely benign. Review status: criteria provided, multiple submitters, no conflicts (2 of 4 stars). 8 submissions from 8 submitters: Benign (1); Likely benign (6). 1 of the submissions does not count toward it. Last evaluated 2025-11-18.

Conditions:
JAG1-related disorder. Also called: JAG1-related condition; JAG1-related disorders.
Isolated Nonsyndromic Congenital Heart Disease.
Alagille syndrome due to a JAG1 point mutation. Also called: HEPATIC DUCTULAR HYPOPLASIA, SYNDROMATIC; Alagille Syndrome 1; JAG1-Related Alagille Syndrome. Identifiers: Orphanet 261619, Orphanet 52, MedGen C1956125, MONDO:0016862, OMIM 118450.
Tetralogy of Fallot (TOF). Identifiers: Orphanet 3303, MedGen C0039685, MONDO:0008542, OMIM 187500, HP:0001636.
Deafness, congenital heart defects, and posterior embryotoxon (DCHE). Identifiers: MedGen C1866053, MONDO:0060713, OMIM 617992.
Charcot-Marie-Tooth disease, axonal, Type 2HH. Also called: CHARCOT-MARIE-TOOTH NEUROPATHY, TYPE 2HH. Identifiers: MedGen C5562003, MONDO:0030458, OMIM 619574.

Allele frequency attached by ClinVar (database versions not stated): gnomAD exomes 0.00005 and 0.00025; gnomAD 0.00006 and 0.00009; TOPMed 0.00015; ExAC 0.00024; 1000 Genomes Project 30x 0.00047; 1000 Genomes Project 0.00060.

Submissions (8):

Labcorp Genetics (formerly Invitae), Labcorp
Classification: Likely benign for Alagille syndrome due to a JAG1 point mutation. Last evaluated: 2025-11-18. Review status: criteria provided, single submitter. Criteria: Invitae Variant Classification Sherloc (09022015). Collection method: clinical testing. Allele origin: germline.

Blueprint Genetics
Classification: Likely benign. Last evaluated: 2024-09-30. Review status: criteria provided, single submitter. Criteria: ACMG Guidelines, 2015. Collection method: clinical testing. Allele origin: germline.

CeGaT Center for Human Genetics Tuebingen
Classification: Likely benign. Last evaluated: 2022-03-01. Review status: criteria provided, single submitter. Criteria: CeGaT Center For Human Genetics Tuebingen Variant Classification Criteria Version 2. Collection method: clinical testing. Allele origin: germline. Affected: yes. Observed: 1 variant allele.
Comment: JAG1: PP2, PP3, BS1, BS2

Fulgent Genetics
Classification: Likely benign for Alagille syndrome due to a JAG1 point mutation; Tetralogy of Fallot; Deafness, congenital heart defects, and posterior embryotoxon; Charcot-Marie-Tooth disease, axonal, Type 2HH. Last evaluated: 2021-10-04. Review status: criteria provided, single submitter. Criteria: ACMG Guidelines, 2015. Collection method: clinical testing. Allele origin: unknown.

Illumina Laboratory Services, Illumina
Classification: Benign for Isolated Nonsyndromic Congenital Heart Disease. Last evaluated: 2018-01-13. Review status: criteria provided, single submitter. Criteria: ICSL Variant Classification Criteria 13 December 2019. Collection method: clinical testing. Allele origin: germline.
Comment: This variant was observed in the ICSL laboratory as part of a predisposition screen in an ostensibly healthy population. It had not been previously curated by ICSL or reported in the Human Gene Mutation Database (HGMD: prior to June 1st, 2018), and was therefore a candidate for classification through an automated scoring system. Utilizing variant allele frequency, disease prevalence and penetrance estimates, and inheritance mode, an automated score was calculated to assess if this variant is too frequent to cause the disease. Based on the score and internal cut-off values, a variant classified as benign is not then subjected to further curation. The score for this variant resulted in a classification of benign for this disease.

Eurofins Ntd Llc (ga)
Classification: Likely benign. Last evaluated: 2017-04-03. Review status: criteria provided, single submitter. Criteria: EGL Classification Definitions 2015. Collection method: clinical testing. Allele origin: germline. Observed: 1 variant allele, 1 heterozygote.

Breakthrough Genomics
Classification: Likely benign. Review status: criteria provided, single submitter. Criteria: ACMG Guidelines, 2015. Collection method: not provided. Allele origin: germline. Inheritance: Autosomal dominant inheritance. Affected: yes.

PreventionGenetics, part of Exact Sciences
Classification: Likely benign for JAG1-related condition. Last evaluated: 2020-03-04. Review status: no assertion criteria provided. Collection method: clinical testing. Allele origin: germline. Not counted in ClinVar's aggregate classification.
Comment: This variant is classified as likely benign based on ACMG/AMP sequence variant interpretation guidelines (Richards et al. 2015 PMID: 25741868, with internal and published modifications).

NM_000214.3(JAG1):c.1655C>T (p.Pro552Leu)

Gene: JAG1 (jagged canonical Notch ligand 1; minus strand). Cytogenetic location: 20p12.2.
Variant type: single nucleotide variant.
Coding change: c.1655C>T on transcript NM_000214.3 (MANE Select); coding-DNA position 1655, C replaced by T.
Protein change: p.Pro552Leu; replaces proline 552 with leucine.
Molecular consequence: missense variant.
Genome position (GRCh38, 1-based): chr20:10,648,025, G>A on the plus strand (C>T on the coding strand, the complement: JAG1 is on the minus strand). VCF-style: chr20-10648025-G-A. GRCh37 (hg19) VCF-style: chr20-10628673-G-A.
Other names: c.1655C>T, p.Pro552Leu (LRG_1191t1); short protein forms P552L.
Identifiers: ClinVar variation 501152 (VCV000501152.47), dbSNP rs201785359, ClinGen allele CA9764800.